The following is an entry in ClinVar:

NM_138715.3(MSR1):c.591G>C (p.Leu197=)

Gene: MSR1 (macrophage scavenger receptor 1; minus strand). Cytogenetic location: 8p22.
Variant type: single nucleotide variant.
Coding change: c.591G>C on transcript NM_138715.3 (MANE Select); coding-DNA position 591, G replaced by C.
Protein change: p.Leu197=; no amino-acid change (leucine 197 retained).
Molecular consequence: synonymous variant.
Genome position (GRCh38, 1-based): chr8:16,168,497, C>G on the plus strand (G>C on the coding strand, the complement: MSR1 is on the minus strand). VCF-style: chr8-16168497-C-G. GRCh37 (hg19) VCF-style: chr8-16026006-C-G.
Other names: c.645G>C, p.Leu215= (NM_001363744.1); c.591G>C, p.Leu197= (NM_002445.4, NM_138716.3).
Identifiers: ClinVar variation 3053854 (VCV003053854.3), dbSNP rs142068602, ClinGen allele CA4641263.

ClinVar aggregate classification (germline): Benign. Review status: criteria provided, single submitter (1 of 4 stars). 2 submissions from 2 submitters: Benign (1). 1 of the submissions does not count toward it.

Conditions:
MSR1-related disorder. Also called: MSR1-related condition.

Allele frequency attached by ClinVar (database versions not stated): ESP Exome Variant Server 0.00169; 1000 Genomes Project 30x 0.00265; 1000 Genomes Project 0.00280.
gnomAD v4.1: 756 of 1,614,088 alleles (0.047%); highest among the groups gnomAD compares: African/African-American, 0.88%; 3 homozygotes.

Submissions (2):

Breakthrough Genomics
Classification: Benign. Review status: criteria provided, single submitter. Criteria: ACMG Guidelines, 2015. Collection method: not provided. Allele origin: germline. Inheritance: Unknown mechanism. Affected: yes.

PreventionGenetics, part of Exact Sciences
Classification: Benign for MSR1-related condition. Last evaluated: 2019-09-04. Review status: no assertion criteria provided. Collection method: clinical testing. Allele origin: germline. Not counted in ClinVar's aggregate classification.
Comment: This variant is classified as benign based on ACMG/AMP sequence variant interpretation guidelines (Richards et al. 2015 PMID: 25741868, with internal and published modifications).